The following is an entry in ClinVar:

NM_025179.4(PLXNA2):c.2511C>G (p.His837Gln)

Gene: PLXNA2 (plexin A2; minus strand). Cytogenetic location: 1q32.2.
Variant type: single nucleotide variant.
Coding change: c.2511C>G on transcript NM_025179.4 (MANE Select); coding-DNA position 2511, C replaced by G.
Protein change: p.His837Gln; replaces histidine 837 with glutamine.
Molecular consequence: missense variant.
Genome position (GRCh38, 1-based): chr1:208,079,335, G>C on the plus strand (C>G on the coding strand, the complement: PLXNA2 is on the minus strand). VCF-style: chr1-208079335-G-C. GRCh37 (hg19) VCF-style: chr1-208252680-G-C.
Other names: c.2511C>G (NM_025179.3); short protein forms H837Q.
Identifiers: ClinVar variation 1929861 (VCV001929861.6), dbSNP rs1303710469, ClinGen allele CA344553626.

ClinVar aggregate classification (germline): Uncertain significance. Review status: criteria provided, multiple submitters, no conflicts (2 of 4 stars). 2 submissions from 2 submitters: Uncertain significance (2). Last evaluated 2023-12-09.

Submissions (2):

Ambry Genetics
Classification: Uncertain significance. Last evaluated: 2023-12-09. Review status: criteria provided, single submitter. Criteria: Ambry Variant Classification Scheme 2023. Collection method: clinical testing. Allele origin: germline.

Labcorp Genetics (formerly Invitae), Labcorp
Classification: Uncertain significance. Last evaluated: 2022-10-17. Review status: criteria provided, single submitter. Criteria: Invitae Variant Classification Sherloc (09022015). Collection method: clinical testing. Allele origin: germline.
Comment: This sequence change replaces histidine, which is basic and polar, with glutamine, which is neutral and polar, at codon 837 of the PLXNA2 protein (p.His837Gln). This variant is present in population databases (no rsID available, gnomAD 0.006%). This variant has not been reported in the literature in individuals affected with PLXNA2-related conditions. Advanced modeling of protein sequence and biophysical properties (such as structural, functional, and spatial information, amino acid conservation, physicochemical variation, residue mobility, and thermodynamic stability) performed at Invitae indicates that this missense variant is not expected to disrupt PLXNA2 protein function. In summary, the available evidence is currently insufficient to determine the role of this variant in disease. Therefore, it has been classified as a Variant of Uncertain Significance.